The following is an entry in ClinVar:

ClinVar aggregate classification (germline): Uncertain significance (1 of 4 stars; one submission).

Allele frequency attached by ClinVar (database versions not stated): TOPMed below 0.00001; ExAC 0.00001; gnomAD exomes 0.00001; gnomAD 0.00001.
gnomAD v4.1: 8 of 1,610,834 alleles (0.0005%); highest among the groups gnomAD compares: Non-Finnish European, 0.00068%; no homozygotes.

Submission:

Labcorp Genetics (formerly Invitae), Labcorp
Classification: Uncertain significance. Last evaluated: 2021-08-27. Review status: criteria provided, single submitter. Criteria: Invitae Variant Classification Sherloc (09022015). Collection method: clinical testing. Allele origin: germline.
Comment: This sequence change replaces histidine with tyrosine at codon 147 of the USH1C protein (p.His147Tyr). The histidine residue is highly conserved and there is a moderate physicochemical difference between histidine and tyrosine. This variant is present in population databases (rs770952404, ExAC 0.002%). This variant has not been reported in the literature in individuals affected with USH1C-related conditions. Algorithms developed to predict the effect of missense changes on protein structure and function (SIFT, PolyPhen-2, Align-GVGD) all suggest that this variant is likely to be disruptive. In summary, the available evidence is currently insufficient to determine the role of this variant in disease. Therefore, it has been classified as a Variant of Uncertain Significance.

NM_153676.4(USH1C):c.439C>T (p.His147Tyr)

Gene: USH1C (USH1 protein network component harmonin; minus strand). Cytogenetic location: 11p15.1.
Variant type: single nucleotide variant.
Coding change: c.439C>T on transcript NM_153676.4 (MANE Select); coding-DNA position 439, C replaced by T.
Protein change: p.His147Tyr; replaces histidine 147 with tyrosine.
Molecular consequence: missense variant. On other transcripts: non-coding transcript variant (1).
Genome position (GRCh38, 1-based): chr11:17,527,280, G>A on the plus strand (C>T on the coding strand, the complement: USH1C is on the minus strand). VCF-style: chr11-17527280-G-A. GRCh37 (hg19) VCF-style: chr11-17548827-G-A.
Other names: c.439C>T, p.His147Tyr (NM_001297764.2, NM_005709.4); short protein forms H147Y.
Identifiers: ClinVar variation 1515313 (VCV001515313.5), dbSNP rs770952404, ClinGen allele CA5905045.